The following is an entry in ClinVar:

NM_014795.4(ZEB2):c.2615C>A (p.Ser872Ter)

Gene: ZEB2 (zinc finger E-box binding homeobox 2; minus strand). Cytogenetic location: 2q22.3.
Variant type: single nucleotide variant.
Coding change: c.2615C>A on transcript NM_014795.4 (MANE Select); coding-DNA position 2615, C replaced by A.
Protein change: p.Ser872Ter; replaces serine 872 with a stop codon.
Molecular consequence: nonsense.
Genome position (GRCh38, 1-based): chr2:144,398,572, G>T on the plus strand (C>A on the coding strand, the complement: ZEB2 is on the minus strand). VCF-style: chr2-144398572-G-T. GRCh37 (hg19) VCF-style: chr2-145156139-G-T.
Other names: c.2543C>A, p.Ser848Ter (NM_001171653.2); short protein forms S848*, S872*.
Identifiers: ClinVar variation 4885446 (VCV004885446.2).

ClinVar aggregate classification (germline): Likely pathogenic (1 of 4 stars; one submission).

Submission:

Dasa
Classification: Likely pathogenic. Last evaluated: 2025-10-24. Review status: criteria provided, single submitter. Criteria: DASA Assertion Criteria. Collection method: clinical testing. Allele origin: germline.
Comment: NM_014795.4(ZEB2):c.2615C>A (p.Ser872*) is a nonsense variant in ZEB2 predicted to introduce a premature termination codon and is predicted to result in an absent or altered protein product. Loss of function is an established disease mechanism for ZEB2 (PMID: 16053902; PMID: 15121779; PMID: 19842203). Also, this variant is absent from population databases. Based on the currently available evidence, this variant is classified as likely pathogenic.

Literature cited by the submitters: PubMed 16053902; PubMed 15121779; PubMed 19842203.